The following is an entry in ClinVar:

NM_000213.5(ITGB4):c.4558+271_4558+273del

Genes: GALK1 (galactokinase 1; minus strand), ITGB4 (integrin subunit beta 4; plus strand). Cytogenetic location: 17q25.1.
Variant type: Deletion.
Coding change: c.4558+271_4558+273del on transcript NM_000213.5 (MANE Select); bases 271 to 273 of the intron after coding-DNA position 4558, 3 bases deleted (CAG; older notation c.4558+271_4558+273delCAG).
Molecular consequence: intron variant. On other transcripts: inframe deletion (1).
Genome position (GRCh38, 1-based): chr17:75,755,086-75,755,088, CAG deleted; deleting any 3 consecutive bases within chr17:75,755,084-75,755,088 gives the same sequence; the c. name uses the placement nearest the transcript's 3' end. VCF-style (leftmost placement, unchanged base first): chr17-75755083-GAGC-G. GRCh37 (hg19) VCF-style: chr17-73751164-GAGC-G.
Other names: c.4380_4382del, p.Ser1460del (NM_001005619.2); c.4348+271_4348+273del (NM_001005731.3, NM_001438834.1, NM_001321123.2); c.*22+2948_*22+2950del (NM_001381985.1); short protein forms S1460del.
Identifiers: ClinVar variation 1800937 (VCV001800937.1), dbSNP rs780960911, ClinGen allele CA8770178.

ClinVar aggregate classification (germline): Uncertain significance (1 of 4 stars; one submission).

Submission:

GeneDx
Classification: Uncertain significance. Last evaluated: 2022-05-25. Review status: criteria provided, single submitter. Criteria: GeneDx Variant Classification Process June 2021. Collection method: clinical testing. Allele origin: germline. Affected: yes.
Comment: In-frame deletion of 1 amino acid in a non-repeat region; In silico analysis supports that this variant does not alter protein structure/function; Has not been previously published as pathogenic or benign to our knowledge; Reported using an alternate transcript of the gene